The following is an entry in ClinVar:

ClinVar aggregate classification (germline): Uncertain significance. Review status: criteria provided, multiple submitters, no conflicts (2 of 4 stars). 2 submissions from 2 submitters: Uncertain significance (2). Last evaluated 2025-05-28.

Conditions:
DICER1-related tumor predisposition. Also called: DICER1 syndrome; DICER1-related pleuropulmonary blastoma cancer predisposition syndrome. Identifiers: Orphanet 284343, MedGen C3839822, MONDO:0100216.

gnomAD v4.1: 1 of 1,614,050 alleles (0.000062%); highest among the groups gnomAD compares: South Asian, 0.0011%; no homozygotes.

Submissions (2):

Labcorp Genetics (formerly Invitae), Labcorp
Classification: Uncertain significance for DICER1-related tumor predisposition. Last evaluated: 2025-05-28. Review status: criteria provided, single submitter. Criteria: Invitae Variant Classification Sherloc (09022015). Collection method: clinical testing. Allele origin: germline.
Comment: This sequence change replaces isoleucine, which is neutral and non-polar, with valine, which is neutral and non-polar, at codon 378 of the DICER1 protein (p.Ile378Val). This variant is not present in population databases (gnomAD no frequency). This variant has not been reported in the literature in individuals affected with DICER1-related conditions. Invitae Evidence Modeling of protein sequence and biophysical properties (such as structural, functional, and spatial information, amino acid conservation, physicochemical variation, residue mobility, and thermodynamic stability) indicates that this missense variant is not expected to disrupt DICER1 protein function with a negative predictive value of 95%. In summary, the available evidence is currently insufficient to determine the role of this variant in disease. Therefore, it has been classified as a Variant of Uncertain Significance.

Revvity Omics, Revvity
Classification: Uncertain significance. Last evaluated: 2023-11-27. Review status: criteria provided, single submitter. Criteria: ACMG Guidelines, 2015. Collection method: clinical testing. Allele origin: germline.

NM_177438.3(DICER1):c.1132A>G (p.Ile378Val)

Gene: DICER1 (dicer 1, ribonuclease III; minus strand). Cytogenetic location: 14q32.13.
Variant type: single nucleotide variant.
Coding change: c.1132A>G on transcript NM_177438.3 (MANE Select); coding-DNA position 1132, A replaced by G.
Protein change: p.Ile378Val; replaces isoleucine 378 with valine.
Molecular consequence: missense variant. On other transcripts: 5 prime UTR variant (1), non-coding transcript variant (6).
Genome position (GRCh38, 1-based): chr14:95,124,440, T>C on the plus strand (A>G on the coding strand, the complement: DICER1 is on the minus strand). VCF-style: chr14-95124440-T-C. GRCh37 (hg19) VCF-style: chr14-95590777-T-C.
Other names: c.1132A>G, p.Ile378Val (NM_001395695.1, NM_001395699.1, NM_001395700.1 and 14 more transcripts); c.727A>G, p.Ile243Val (NM_001395696.1, NM_001395698.1, NM_001395687.1 and 3 more transcripts); c.-437A>G (NM_001395697.1); c.850A>G, p.Ile284Val (NM_001395686.1); c.565A>G, p.Ile189Val (NM_001395691.1); short protein forms I189V, I243V, I284V, I378V.
Identifiers: ClinVar variation 4078479 (VCV004078479.2).